The following is an entry in ClinVar:

ClinVar aggregate classification (germline): Conflicting classifications of pathogenicity. Review status: criteria provided, conflicting classifications (1 of 4 stars). 12 submissions from 12 submitters: Uncertain significance (4); Benign (2); Likely benign (6). Last evaluated 2026-09-01.

Conditions:
SCN10A-related disorder. Also called: SCN10A-related condition.
Cardiovascular phenotype. Identifiers: MedGen CN230736.
Episodic pain syndrome, familial, 2 (FEPS2). Identifiers: Orphanet 306577, MedGen C3809893, MONDO:0014246, OMIM 615551.
Brugada syndrome. Also called: Sudden unexpected nocturnal death syndrome; Sudden unexplained nocturnal death syndrome; Sudden Unexplained Death Syndrome; Sudden Unexplained Nocturnal Death Syndrome (SUNDS). Identifiers: Orphanet 130, MedGen C1142166, MONDO:0015263.
Brugada syndrome 1 (BRGDA1). Also called: RIGHT BUNDLE BRANCH BLOCK, ST SEGMENT ELEVATION, AND SUDDEN DEATH SYNDROME. Identifiers: Orphanet 130, MedGen C4551804, MONDO:0011001, OMIM 601144.

Allele frequency attached by ClinVar (database versions not stated): 1000 Genomes Project 0.00020; 1000 Genomes Project 30x 0.00031; gnomAD exomes 0.00166 and 0.00257; TOPMed 0.00175; ExAC 0.00176; ESP Exome Variant Server 0.00208; gnomAD 0.00247 and 0.00259.
gnomAD v4.1: 4,048 of 1,613,264 alleles (0.25%); highest among the groups gnomAD compares: Non-Finnish European, 0.31%; 12 homozygotes.

Submissions (12):

CeGaT Center for Human Genetics Tuebingen
Classification: Benign. Last evaluated: 2026-09-01. Review status: criteria provided, single submitter. Criteria: CeGaT Center For Human Genetics Tuebingen Variant Classification Criteria Version 2. Collection method: clinical testing. Allele origin: germline. Affected: yes. Observed: 10 variant alleles.
Comment: SCN10A: BS1, BS2

Labcorp Genetics (formerly Invitae), Labcorp
Classification: Likely benign for Brugada syndrome. Last evaluated: 2026-01-19. Review status: criteria provided, single submitter. Criteria: Invitae Variant Classification Sherloc (09022015). Collection method: clinical testing. Allele origin: germline.

Rare Kidney Stone Consortium and the Mayo Clinic Hyperoxaluria Center, Mayo Clinic
Classification: Uncertain significance for Episodic pain syndrome, familial, 2. Last evaluated: 2025-10-03. Review status: criteria provided, single submitter. Criteria: ACMG Guidelines, 2015. Collection method: research. Allele origin: germline. Observed: 1 variant allele.
Comment: ACMG:PP3

PreventionGenetics, part of Exact Sciences
Classification: Likely benign for SCN10A-related condition. Last evaluated: 2025-05-27. Review status: criteria provided, single submitter. Criteria: ACMG Guidelines, 2015. Collection method: clinical testing. Allele origin: germline.
Comment: This variant is classified as likely benign based on ACMG/AMP sequence variant interpretation guidelines (Richards et al. 2015 PMID: 25741868, with internal and published modifications).

Blueprint Genetics
Classification: Likely benign. Last evaluated: 2024-11-21. Review status: criteria provided, single submitter. Criteria: ACMG Guidelines, 2015. Collection method: clinical testing. Allele origin: germline.

Women's Health and Genetics/Laboratory Corporation of America, LabCorp
Classification: Likely benign. Last evaluated: 2023-10-23. Review status: criteria provided, single submitter. Criteria: LabCorp Variant Classification Summary - May 2015. Collection method: clinical testing. Allele origin: germline.

ARUP Laboratories, Molecular Genetics and Genomics, ARUP Laboratories
Classification: Uncertain significance for Episodic pain syndrome, familial, 2. Last evaluated: 2023-10-03. Review status: criteria provided, single submitter. Criteria: ARUP Molecular Germline Variant Investigation Process 2024. Collection method: clinical testing. Allele origin: germline.

Mayo Clinic Laboratories, Mayo Clinic
Classification: Benign. Last evaluated: 2020-10-21. Review status: criteria provided, single submitter. Criteria: ACMG Guidelines, 2015. Collection method: clinical testing. Allele origin: germline. Observed: 13 variant alleles.

Mendelics
Classification: Uncertain significance for Brugada syndrome 1. Last evaluated: 2019-05-28. Review status: criteria provided, single submitter. Criteria: Mendelics Assertion Criteria 2017. Collection method: clinical testing. Allele origin: unknown.

Ambry Genetics
Classification: Likely benign for Cardiovascular phenotype. Last evaluated: 2019-05-22. Review status: criteria provided, single submitter. Criteria: Ambry Variant Classification Scheme 2023. Collection method: clinical testing. Allele origin: germline.

Stanford Center for Inherited Cardiovascular Disease, Stanford University
Classification: Likely benign. Last evaluated: 2017-12-11. Review status: criteria provided, single submitter. Criteria: ACMG Guidelines, 2015. Collection method: provider interpretation. Allele origin: germline.

GeneDx
Classification: Uncertain significance. Last evaluated: 2017-08-14. Review status: criteria provided, single submitter. Criteria: GeneDx Variant Classification (06012015). Collection method: clinical testing. Allele origin: germline. Affected: yes.
Comment: A variant of uncertain significance has been identified in the SCN10A gene. The R1268Q variant has previously been reported in association with Brugada syndrome and atrial fibrillation (Hu et al., 2014; Behr et al., 2015; Jabbari et al., 2015). The R1268Q variant was not identified in any relatives, while the SCN9A variant was observed in two affected sons and an unaffected daughter of the proband (Choi et al., 2010). This variant is a semi-conservative amino acid substitution, which may impact secondary protein structure as these residues differ in some properties, occurring at a position that is conserved across species. Functional studies by Hu et al. (2014) demonstrate that R1268Q results in significantly reduced channel current density compared to wild-type. However, the Exome Aggregation Consortium (ExAC) reports R1268Q was observed in 29/6,592 (0.4%) alleles from individuals of European (Finnish) ancestry and 167/66,390 (0.2%) alleles from individuals of European (Non-Finnish) ancestry, indicating it may be a rare benign variant in these populations (Lek et al., 2016). Furthermore, this variant lacks segregation data which could further clarify its pathogenicity.

Literature cited by the submitters: PubMed 24998131 (cited by Rare Kidney Stone Consortium and the Mayo Clinic Hyperoxaluria Center, Mayo Clinic and Ambry Genetics); PubMed 25691538 (cited by Rare Kidney Stone Consortium and the Mayo Clinic Hyperoxaluria Center, Mayo Clinic and Ambry Genetics); PubMed 25691686 (cited by Rare Kidney Stone Consortium and the Mayo Clinic Hyperoxaluria Center, Mayo Clinic and Ambry Genetics); PubMed 27711072 (cited by Rare Kidney Stone Consortium and the Mayo Clinic Hyperoxaluria Center, Mayo Clinic and Ambry Genetics); PubMed 28407228 (cited by Rare Kidney Stone Consortium and the Mayo Clinic Hyperoxaluria Center, Mayo Clinic and Ambry Genetics); PubMed 30662450 (cited by Rare Kidney Stone Consortium and the Mayo Clinic Hyperoxaluria Center, Mayo Clinic and Ambry Genetics); PubMed 29874177 (cited by Rare Kidney Stone Consortium and the Mayo Clinic Hyperoxaluria Center, Mayo Clinic and Ambry Genetics); PubMed 30821013 (cited by Rare Kidney Stone Consortium and the Mayo Clinic Hyperoxaluria Center, Mayo Clinic); PubMed 31106349 (cited by Rare Kidney Stone Consortium and the Mayo Clinic Hyperoxaluria Center, Mayo Clinic); PubMed 31785789 (cited by Rare Kidney Stone Consortium and the Mayo Clinic Hyperoxaluria Center, Mayo Clinic); PubMed 30847666 (cited by Rare Kidney Stone Consortium and the Mayo Clinic Hyperoxaluria Center, Mayo Clinic); PubMed 33057194 (cited by Rare Kidney Stone Consortium and the Mayo Clinic Hyperoxaluria Center, Mayo Clinic); PubMed 34426522 (cited by Rare Kidney Stone Consortium and the Mayo Clinic Hyperoxaluria Center, Mayo Clinic); PubMed 35982159 (cited by Rare Kidney Stone Consortium and the Mayo Clinic Hyperoxaluria Center, Mayo Clinic); PubMed 40794449 (cited by Rare Kidney Stone Consortium and the Mayo Clinic Hyperoxaluria Center, Mayo Clinic).

NM_006514.4(SCN10A):c.3803G>A (p.Arg1268Gln)

Gene: SCN10A (sodium voltage-gated channel alpha subunit 10; minus strand). Cytogenetic location: 3p22.2.
Variant type: single nucleotide variant.
Coding change: c.3803G>A on transcript NM_006514.4 (MANE Select); coding-DNA position 3803, G replaced by A.
Protein change: p.Arg1268Gln; replaces arginine 1268 with glutamine.
Molecular consequence: missense variant.
Genome position (GRCh38, 1-based): chr3:38,713,959, C>T on the plus strand (G>A on the coding strand, the complement: SCN10A is on the minus strand). VCF-style: chr3-38713959-C-T. GRCh37 (hg19) VCF-style: chr3-38755450-C-T.
Other names: p.Arg1268Gln; c.3800G>A, p.Arg1267Gln (NM_001293306.2); c.3509G>A, p.Arg1170Gln (NM_001293307.2); short protein forms R1268Q, R1267Q, R1170Q.
Identifiers: ClinVar variation 240673 (VCV000240673.53), dbSNP rs138832868, ClinGen allele CA2320112.